The following is an entry in ClinVar:

NM_005343.4(HRAS):c.146A>G (p.Glu49Gly)

Genes: HRAS (HRas proto-oncogene, GTPase; minus strand), LRRC56 (leucine rich repeat containing 56; plus strand). Cytogenetic location: 11p15.5.
Variant type: single nucleotide variant.
Coding change: c.146A>G on transcript NM_005343.4 (MANE Select); coding-DNA position 146, A replaced by G.
Protein change: p.Glu49Gly; replaces glutamic acid 49 with glycine.
Molecular consequence: missense variant. On other transcripts: 5 prime UTR variant (1).
Genome position (GRCh38, 1-based): chr11:533,910, T>C on the plus strand (A>G on the coding strand, the complement: HRAS is on the minus strand). VCF-style: chr11-533910-T-C. GRCh37 (hg19) VCF-style: chr11-533910-T-C.
Other names: c.146A>G, p.Glu49Gly (NM_001130442.3, NM_176795.5); c.-174A>G (NM_001318054.2); short protein forms E49G.
Identifiers: ClinVar variation 2754318 (VCV002754318.3), dbSNP rs2539798674, ClinGen allele CA378924748.

ClinVar aggregate classification (germline): Uncertain significance (1 of 4 stars; one submission).

Conditions:
Costello syndrome (CSTLO). Also called: FACIOCUTANEOSKELETAL SYNDROME; FCS SYNDROME; HRAS-Related Costello Syndrome. Identifiers: Orphanet 3071, MedGen C0587248, MONDO:0009026, OMIM 218040.

Submission:

Labcorp Genetics (formerly Invitae), Labcorp
Classification: Uncertain significance for Costello syndrome. Last evaluated: 2023-08-22. Review status: criteria provided, single submitter. Criteria: Invitae Variant Classification Sherloc (09022015). Collection method: clinical testing. Allele origin: germline.
Comment: In summary, the available evidence is currently insufficient to determine the role of this variant in disease. Therefore, it has been classified as a Variant of Uncertain Significance. Advanced modeling of protein sequence and biophysical properties (such as structural, functional, and spatial information, amino acid conservation, physicochemical variation, residue mobility, and thermodynamic stability) performed at Invitae indicates that this missense variant is expected to disrupt HRAS protein function. This variant has not been reported in the literature in individuals affected with HRAS-related conditions. This variant is not present in population databases (gnomAD no frequency). This sequence change replaces glutamic acid, which is acidic and polar, with glycine, which is neutral and non-polar, at codon 49 of the HRAS protein (p.Glu49Gly).